The following is an entry in ClinVar:

ClinVar aggregate classification (germline): Uncertain significance (1 of 4 stars; one submission).

Conditions:
Hereditary cancer-predisposing syndrome. Also called: Tumor predisposition; Hereditary neoplastic syndrome; Neoplastic Syndromes, Hereditary; Hereditary Cancer Syndrome. Identifiers: Orphanet 140162, MedGen C0027672, MeSH D009386, MONDO:0015356.

Submission:

Ambry Genetics
Classification: Uncertain significance for Hereditary cancer-predisposing syndrome. Last evaluated: 2025-04-13. Review status: criteria provided, single submitter. Criteria: Ambry Variant Classification Scheme 2023. Collection method: clinical testing. Allele origin: germline.
Comment: The p.P458A variant (also known as c.1372C>G), located in coding exon 15 of the CDC73 gene, results from a C to G substitution at nucleotide position 1372. The proline at codon 458 is replaced by alanine, an amino acid with highly similar properties. This amino acid position is conserved. In addition, the in silico prediction for this alteration is inconclusive. Based on the available evidence, the clinical significance of this variant remains unclear.

NM_024529.5(CDC73):c.1372C>G (p.Pro458Ala)

Gene: CDC73 (cell division cycle 73; plus strand). Cytogenetic location: 1q31.2.
Variant type: single nucleotide variant.
Coding change: c.1372C>G on transcript NM_024529.5 (MANE Select); coding-DNA position 1372, C replaced by G.
Protein change: p.Pro458Ala; replaces proline 458 with alanine.
Molecular consequence: missense variant.
Genome position (GRCh38, 1-based): chr1:193,236,311, C>G. VCF-style: chr1-193236311-C-G. GRCh37 (hg19) VCF-style: chr1-193205441-C-G.
Other names: short protein forms P458A.
Identifiers: ClinVar variation 3998673 (VCV003998673.1).